The following is an entry in ClinVar:

NM_001754.5(RUNX1):c.35C>T (p.Ser12Leu)

Gene: RUNX1 (RUNX family transcription factor 1; minus strand). Cytogenetic location: 21q22.12.
Variant type: single nucleotide variant.
Coding change: c.35C>T on transcript NM_001754.5 (MANE Select); coding-DNA position 35, C replaced by T.
Protein change: p.Ser12Leu; replaces serine 12 with leucine.
Molecular consequence: missense variant.
Genome position (GRCh38, 1-based): chr21:35,048,865, G>A on the plus strand (C>T on the coding strand, the complement: RUNX1 is on the minus strand). VCF-style: chr21-35048865-G-A. GRCh37 (hg19) VCF-style: chr21-36421162-G-A.
Other names: NM_001754.5(RUNX1):c.35C>T; p.Ser12Leu; short protein forms S12L.
Identifiers: ClinVar variation 532661 (VCV000532661.17), dbSNP rs750755857, ClinGen allele CA410208238.
Genomic context (GRCh38, chr21:35,048,865, plus strand): 5'-AGCAAAAGTAGATATTACAAGACCAGCATGTACTCACCTCTCATGAAGCACTGTGGGTAC[G>A]AAGGAAATGACTCAAATATGCTGTCTGAAGCCATCGCTTCCTCCTGAAAATGCACCCTCT-3'
Protein context (NP_001745.2, residues 2-22): ASDSIFESFP[Ser12Leu]YPQCFMRECI

ClinVar aggregate classification (germline): Likely benign. Review status: reviewed by expert panel (3 of 4 stars). 6 submissions from 6 submitters: Likely benign (1). 5 of the submissions do not count toward it. Last evaluated 2025-05-02.

Conditions:
Acute myeloid leukemia (AML). Also called: Leukemia, acute myeloid, somatic; Leukemia, acute myelogenous, somatic; Acute myeloid leukemia, adult; AML adult; Acute non-lymphocytic leukemia; Acute granulocytic leukemia. Identifiers: Orphanet 519, MedGen C0023467, MeSH D015470, MONDO:0018874, OMIM 601626, HP:0004808. Disease mechanism: Constitutively activated FLT3.
Hereditary thrombocytopenia and hematologic cancer predisposition syndrome. Identifiers: Orphanet 71290, MedGen CN281654, MONDO:0011071.
Inborn genetic diseases. Identifiers: MedGen C0950123, MeSH D030342.
Hereditary cancer-predisposing syndrome. Also called: Hereditary Cancer Syndrome; Tumor predisposition; Neoplastic Syndromes, Hereditary; Hereditary neoplastic syndrome. Identifiers: Orphanet 140162, MedGen C0027672, MeSH D009386, MONDO:0015356.
Hereditary thrombocytopenia and hematological cancer predisposition syndrome associated with RUNX1. Also called: PLATELET DISORDER, ASPIRIN-LIKE; Familial thrombocytopenia with propensity to acute myelogenous leukemia; Familial Platelet Disorder with Propensity to Acute Myelogenous Leukemia; RUNX1 Familial Platelet Disorder with Associated Myeloid Malignancies. Identifiers: Orphanet 71290, MedGen C1832388, MeSH C563324, MONDO:0100083, OMIM 601399.

Allele frequency attached by ClinVar (database versions not stated): gnomAD 0.00001; TOPMed 0.00002.
gnomAD v4.1: 14 of 1,613,768 alleles (0.00087%); highest among the groups gnomAD compares: Middle Eastern, 0.016%; no homozygotes.

Submissions (6):

ClinGen Myeloid Malignancy Variant Curation Expert Panel
Classification: Likely benign for Hereditary thrombocytopenia and hematologic cancer predisposition syndrome. Last evaluated: 2025-05-02. Review status: reviewed by expert panel. Criteria: ClinGen MyeloMalig ACMG Specifications v2. Collection method: curation. Allele origin: germline. Inheritance: Autosomal dominant inheritance.
Comment: NM_001754.5(RUNX1):c.35C>T (p.Ser12Leu) is a missense variant which has a MAF of 0.001644 (0.01644%, 1/6084 alleles) in the Middle Eastern subpopulation of the gnomAD v4.1.0 cohort, meeting the threshold for BS1. This variant has a REVEL score < 0.50 (0.305) and a SpliceAI score ≤ 0.20 (0.06) (BP4). In summary, the clinical significance of this variant is likely benign. ACMG/AMP criteria applied, as specified by the Myeloid Malignancy Variant Curation Expert Panel for RUNX1: BS1, BP4.

Labcorp Genetics (formerly Invitae), Labcorp
Classification: Uncertain significance for Hereditary thrombocytopenia and hematological cancer predisposition syndrome associated with RUNX1. Last evaluated: 2025-12-22. Review status: criteria provided, single submitter. Criteria: Invitae Variant Classification Sherloc (09022015). Collection method: clinical testing. Allele origin: germline. Not counted in ClinVar's aggregate classification.
Comment: This sequence change replaces serine, which is neutral and polar, with leucine, which is neutral and non-polar, at codon 12 of the RUNX1 protein (p.Ser12Leu). The frequency data for this variant in the population databases is considered unreliable, as metrics indicate poor data quality at this position in the gnomAD database. This missense change has been observed in individual(s) with acute lymphoblastic leukemia (PMID: 34166225). ClinVar contains an entry for this variant (Variation ID: 532661). An algorithm developed to predict the effect of missense changes on protein structure and function (PolyPhen-2) suggests that this variant is likely to be tolerated. In summary, the available evidence is currently insufficient to determine the role of this variant in disease. Therefore, it has been classified as a Variant of Uncertain Significance.

Ambry Genetics
Classification: Uncertain significance for Inborn genetic diseases. Last evaluated: 2025-01-21. Review status: criteria provided, single submitter. Criteria: Ambry Variant Classification Scheme 2023. Collection method: clinical testing. Allele origin: germline. Not counted in ClinVar's aggregate classification.
Comment: The p.S12L variant (also known as c.35C>T), located in coding exon 1 of the RUNX1 gene, results from a C to T substitution at nucleotide position 35. The serine at codon 12 is replaced by leucine, an amino acid with dissimilar properties. This amino acid position is well conserved in available vertebrate species. In addition, the in silico prediction for this alteration is inconclusive. Based on the available evidence, the clinical significance of this variant remains unclear.

Baylor Genetics
Classification: Uncertain significance for Acute myeloid leukemia. Last evaluated: 2023-11-24. Review status: criteria provided, single submitter. Criteria: ACMG Guidelines, 2015. Collection method: clinical testing. Allele origin: unknown. Not counted in ClinVar's aggregate classification.

Blueprint Genetics
Classification: Uncertain significance. Last evaluated: 2022-05-06. Review status: criteria provided, single submitter. Criteria: ACMG Guidelines, 2015. Collection method: clinical testing. Allele origin: germline. Not counted in ClinVar's aggregate classification.

Sema4
Classification: Uncertain significance for Hereditary cancer-predisposing syndrome. Last evaluated: 2021-05-20. Review status: criteria provided, single submitter. Criteria: Sema4 Curation Guidelines. Collection method: curation. Allele origin: germline. Not counted in ClinVar's aggregate classification.
Comment: The RUNX1 c.35C>T (p.S12L) variant has not been reported in the literature to our knowledge. It was observed in 2/35440 chromosomes in the Latino subpopulation in the large and broad cohorts of the Genome Aggregation Database (PMID: 32461654). The variant has been reported in ClinVar (Variation ID: 532661). In silico tools suggest the impact of the variant on protein function is inconclusive, though these predictions have not been confirmed by functional studies. The evidence is insufficient to meet ACMG/AMP criteria for classifying the variant as benign or pathogenic. Thus, the clinical significance of this variant is currently uncertain.

Literature cited by the submitters: PubMed 34166225 (cited by Labcorp Genetics (formerly Invitae), Labcorp).